The following is an entry in ClinVar:

NM_000169.3(GLA):c.994dup (p.Arg332fs)

Genes: GLA (galactosidase alpha; minus strand), RPL36A-HNRNPH2 (RPL36A-HNRNPH2 readthrough; plus strand). Cytogenetic location: Xq22.1.
Variant type: Duplication.
Coding change: c.994dup on transcript NM_000169.3 (MANE Select); coding-DNA position 994, one base duplicated (A; older notation c.994dupA).
Protein change: p.Arg332fs; shifts the reading frame from arginine 332.
Molecular consequence: frameshift variant. On other transcripts: non-coding transcript variant (3), intron variant (2).
Genome position (GRCh38, 1-based): chrX:101,398,375, T duplicated on the plus strand (A on the coding strand, the reverse complement: GLA is on the minus strand). VCF-style (leftmost placement, unchanged base first): chrX-101398374-C-CT. GRCh37 (hg19) VCF-style: chrX-100653362-C-CT.
Other names: c.994dupA (NM_000169.2); c.1117dup, p.Arg373fs (NM_001406747.1); c.994dup, p.Arg332fs (NM_001406748.1); c.300+2918dup (NM_001199973.2); c.177+6553dup (NM_001199974.2); short protein forms R332fs, R373fs.
Identifiers: ClinVar variation 632836 (VCV000632836.3), dbSNP rs1569302887, ClinGen allele CA913190976.
Genomic context (GRCh38, chrX:101,398,374, plus strand): 5'-AGACAAAGTTGGTATTGGGTATATAAAGCCATCTTAAAATATATACTCTTATTTACCTGT[C>CT]TAAGCTGGTACCCTTGCTTGCCCAAGGGGTCCTGATTGATGGCAATTACGTCCTTATCCT-3'

ClinVar aggregate classification (germline): Pathogenic. Review status: criteria provided, multiple submitters, no conflicts (2 of 4 stars). 2 submissions from 2 submitters: Pathogenic (2). Last evaluated 2026-09-08.

Conditions:
Fabry disease. Also called: Angiokeratoma corporis diffusum; Ceramide trihexosidosis; Fabry's disease; ALPHA-GALACTOSIDASE A DEFICIENCY; ANDERSON-FABRY DISEASE; CERAMIDE TRIHEXOSIDASE DEFICIENCY. Identifiers: Orphanet 324, MedGen C0002986, MONDO:0010526, OMIM 301500, HP:0001071. Disease mechanism: loss of function, Fabry disease is due to inactivating mutations in the X-linked GLA gene resulting in deficiency of the enzyme Alpha Galactosidase-A..

Submissions (2):

Genomenon, Inc
Classification: Pathogenic for Fabry disease. Last evaluated: 2026-09-08. Review status: criteria provided, single submitter. Criteria: Genomenon Sequence Variant Interpretation Standards - Updated. Collection method: curation. Allele origin: germline. Affected: yes.
Comment: GLA p.Arg332LysfsTer7 (c.994dup) is a frameshift variant that is predicted to introduce a premature termination codon and result in a truncated or absent protein product. This variant has been observed in at least one proband with clinical features consistent with Fabry disease (PMID:29982630;35971858;33915609;24626231). Functional or patient cell studies have been reported (PMID:33915609;24626231). It is absent or not present at a significant frequency in gnomAD. In conclusion, we classify GLA p.Arg332LysfsTer7 (c.994dup) as a pathogenic variant.

Women's Health and Genetics/Laboratory Corporation of America, LabCorp
Classification: Pathogenic for Fabry disease. Last evaluated: 2018-08-14. Review status: criteria provided, single submitter. Criteria: LabCorp Variant Classification Summary - May 2015. Collection method: clinical testing. Allele origin: germline.
Comment: Variant summary: GLA c.994dupA (p.Arg332LysfsX7) results in a premature termination codon, predicted to cause a truncation of the encoded protein or absence of the protein due to nonsense mediated decay, which are commonly known mechanisms for disease. Truncations downstream of this position have been classified as pathogenic by our laboratory (e.g., p.Glu341X and p.Glu398X). The variant was absent in 200380 control chromosomes. c.994dupA has been reported in the literature in individuals affected with Fabry Disease. These data indicate that the variant is likely to be associated with disease. At least one publication reports experimental evidence evaluating plasma lyso-Gb3 levels in patients, which is significantly increased compared to healthy controls (Lukas_2013). No clinical diagnostic laboratories have submitted clinical-significance assessments for this variant to ClinVar after 2014. Based on the evidence outlined above, the variant was classified as pathogenic.

Literature cited by the submitters: PubMed 29982630 (cited by Genomenon, Inc); PubMed 35971858 (cited by Genomenon, Inc); PubMed 33915609 (cited by Genomenon, Inc); PubMed 24626231 (cited by Genomenon, Inc); PubMed 23935525 (cited by Women's Health and Genetics/Laboratory Corporation of America, LabCorp).